The following is an entry in ClinVar:

ClinVar aggregate classification (germline): Likely benign (1 of 4 stars; one submission).

Allele frequency attached by ClinVar (database versions not stated): ExAC 0.00001; gnomAD 0.00001; TOPMed 0.00001; gnomAD exomes 0.00002.
gnomAD v4.1: 24 of 1,610,928 alleles (0.0015%); highest among the groups gnomAD compares: Non-Finnish European, 0.002%; no homozygotes.

Submission:

CeGaT Center for Human Genetics Tuebingen
Classification: Likely benign. Last evaluated: 2022-03-01. Review status: criteria provided, single submitter. Criteria: CeGaT Center For Human Genetics Tuebingen Variant Classification Criteria Version 2. Collection method: clinical testing. Allele origin: germline. Affected: yes. Observed: 1 variant allele.
Comment: TLN2: BP4, BP7

NM_015059.3(TLN2):c.5073G>A (p.Thr1691=)

Gene: TLN2 (talin 2; plus strand). Cytogenetic location: 15q22.2.
Variant type: single nucleotide variant.
Coding change: c.5073G>A on transcript NM_015059.3 (MANE Select); coding-DNA position 5073, G replaced by A.
Protein change: p.Thr1691=; no amino-acid change (threonine 1691 retained).
Molecular consequence: synonymous variant.
Genome position (GRCh38, 1-based): chr15:62,763,674, G>A. VCF-style: chr15-62763674-G-A. GRCh37 (hg19) VCF-style: chr15-63055873-G-A.
Other names: c.5073G>A, p.Thr1691= (NM_001394547.1).
Identifiers: ClinVar variation 2645415 (VCV002645415.24), dbSNP rs770235344, ClinGen allele CA7600088.
Genomic context (GRCh38, chr15:62,763,674, plus strand): 5'-CCGGTGCATCCGGGACATCGAGCAGGCCTCGCTGGCCGCCGTCAGCCAGAGCCTGGCCAC[G>A]AGGGACGACATCTCTGTGGAGGTAAGCTGGGAATCTGGGGGCCTGCTTAGTCGCCTCTAG-3'
Protein context (NP_055874.2, residues 1681-1701): SLAAVSQSLA[Thr1691=]RDDISVEALQ